The following is an entry in ClinVar:

ClinVar aggregate classification (germline): Likely pathogenic (1 of 4 stars; one submission).

Conditions:
Dilated cardiomyopathy 1G (CMD1G). Identifiers: Orphanet 154, MedGen C1858763, MONDO:0011400, OMIM 604145.
Autosomal recessive limb-girdle muscular dystrophy type 2J (LGMDR10). Also called: Limb-girdle muscular dystrophy, type 2J; MUSCULAR DYSTROPHY, LIMB-GIRDLE, AUTOSOMAL RECESSIVE 10. Identifiers: Orphanet 140922, MedGen C1837342, MONDO:0012127, OMIM 608807.

Submission:

Labcorp Genetics (formerly Invitae), Labcorp
Classification: Likely pathogenic for Dilated cardiomyopathy 1G; Autosomal recessive limb-girdle muscular dystrophy type 2J. Last evaluated: 2019-01-15. Review status: criteria provided, single submitter. Criteria: Invitae Variant Classification Sherloc (09022015). Collection method: clinical testing. Allele origin: germline.
Comment: In summary, the currently available evidence indicates that the variant is pathogenic, but additional data are needed to prove that conclusively. Therefore, this variant has been classified as Likely Pathogenic. This variant is located in the A band of TTN (PMID: 25589632). Truncating variants in this region are significantly overrepresented in patients affected with dilated cardiomyopathy (PMID: 25589632). Truncating variants in this region have also been reported in individuals affected with autosomal recessive centronuclear myopathy (PMID: 23975875). This variant has not been reported in the literature in individuals with TTN-related disease. This variant is not present in population databases (ExAC no frequency). This sequence change results in a premature translational stop signal in the TTN gene (p.Ser18928*). While this is not anticipated to result in nonsense mediated decay, it is expected to create a truncated TTN protein.

Literature cited by the submitters: PubMed 25589632; PubMed 23975875.

NM_001267550.2(TTN):c.56783C>A (p.Ser18928Ter)

Genes: TTN (titin; minus strand), TTN-AS1 (TTN antisense RNA 1; plus strand). Cytogenetic location: 2q31.2.
Variant type: single nucleotide variant.
Coding change: c.56783C>A on transcript NM_001267550.2 (MANE Select); coding-DNA position 56783, C replaced by A.
Protein change: p.Ser18928Ter; replaces serine 18928 with a stop codon.
Molecular consequence: nonsense.
Genome position (GRCh38, 1-based): chr2:178,598,927, G>T on the plus strand (C>A on the coding strand, the complement: TTN is on the minus strand). VCF-style: chr2-178598927-G-T. GRCh37 (hg19) VCF-style: chr2-179463654-G-T.
Other names: c.51860C>A, p.Ser17287Ter (NM_001256850.1); c.29588C>A, p.Ser9863Ter (NM_003319.4); c.49079C>A, p.Ser16360Ter (NM_133378.4); c.29963C>A, p.Ser9988Ter (NM_133432.3); c.30164C>A, p.Ser10055Ter (NM_133437.4); short protein forms S9988*, S16360*, S18928*, S10055*, S17287*, S9863*.
Identifiers: ClinVar variation 658601 (VCV000658601.11), dbSNP rs1576240126, ClinGen allele CA349526910.